The following is an entry in ClinVar:

NM_001374353.1(GLI2):c.2597C>T (p.Pro866Leu)

Gene: GLI2 (GLI family zinc finger 2; plus strand). Cytogenetic location: 2q14.2.
Variant type: single nucleotide variant.
Coding change: c.2597C>T on transcript NM_001374353.1 (MANE Select); coding-DNA position 2597, C replaced by T.
Protein change: p.Pro866Leu; replaces proline 866 with leucine.
Molecular consequence: missense variant.
Genome position (GRCh38, 1-based): chr2:120,988,562, C>T. VCF-style: chr2-120988562-C-T. GRCh37 (hg19) VCF-style: chr2-121746138-C-T.
Other names: c.2648C>T, p.Pro883Leu (NM_001371271.1, NM_005270.5); c.2222C>T, p.Pro741Leu (NM_001374354.1); short protein forms P741L, P866L, P883L.
Identifiers: ClinVar variation 4689402 (VCV004689402.1).

ClinVar aggregate classification (germline): Uncertain significance (1 of 4 stars; one submission).

gnomAD v4.1: 6 of 1,499,500 alleles (0.0004%); highest among the groups gnomAD compares: South Asian, 0.0012%; no homozygotes.

Submission:

Women's Health and Genetics/Laboratory Corporation of America, LabCorp
Classification: Uncertain significance. Last evaluated: 2026-01-14. Review status: criteria provided, single submitter. Criteria: LabCorp Variant Classification Summary - May 2015. Collection method: clinical testing. Allele origin: germline.
Comment: Variant summary: GLI2 c.2648C>T (p.Pro883Leu) results in a non-conservative amino acid change in the encoded protein sequence. Algorithms developed to predict the effect of missense changes on protein structure and function all suggest that this variant is likely to be disruptive. The variant was absent in 103336 control chromosomes. The available data on variant occurrences in the general population are insufficient to allow any conclusion about variant significance. To our knowledge, no occurrence of c.2648C>T in individuals affected with GLI2-related conditions and no experimental evidence demonstrating its impact on protein function have been reported. No submitters have cited clinical-significance assessments for this variant to ClinVar. Based on the evidence outlined above, the variant was classified as uncertain significance.